The following is an entry in ClinVar:

NM_003873.7(NRP1):c.1759+1317G>A

Gene: NRP1 (neuropilin 1; minus strand). Cytogenetic location: 10p11.22.
Variant type: single nucleotide variant.
Coding change: c.1759+1317G>A on transcript NM_003873.7 (MANE Select); 1317 bases into the intron after coding-DNA position 1759, G replaced by A.
Molecular consequence: intron variant.
Genome position (GRCh38, 1-based): chr10:33,206,255, C>T on the plus strand (G>A on the coding strand, the complement: NRP1 is on the minus strand). VCF-style: chr10-33206255-C-T. GRCh37 (hg19) VCF-style: chr10-33495183-C-T.
Other names: c.1759+1317G>A (NM_001244973.2, NM_001244972.2, NM_001330068.2 and 2 more transcripts).
Identifiers: ClinVar variation 2672395 (VCV002672395.23), dbSNP rs201640398, ClinGen allele CA5466477.

ClinVar aggregate classification (germline): Likely benign (1 of 4 stars; one submission).

Allele frequency attached by ClinVar (database versions not stated): gnomAD 0.00025; TOPMed 0.00025; gnomAD exomes 0.00033; ExAC 0.00042.
gnomAD v4.1: 170 of 518,922 alleles (0.033%); highest among the groups gnomAD compares: South Asian, 0.018%; 2 homozygotes.

Submission:

CeGaT Center for Human Genetics Tuebingen
Classification: Likely benign. Last evaluated: 2023-11-01. Review status: criteria provided, single submitter. Criteria: CeGaT Center For Human Genetics Tuebingen Variant Classification Criteria Version 2. Collection method: clinical testing. Allele origin: germline. Affected: yes. Observed: 1 variant allele.
Comment: NRP1: BP4, BS1